The following is an entry in ClinVar:

ClinVar aggregate classification (germline): Uncertain significance (1 of 4 stars; one submission).

Conditions:
Inborn genetic diseases. Identifiers: MedGen C0950123, MeSH D030342.

Submission:

Ambry Genetics
Classification: Uncertain significance for Inborn genetic diseases. Last evaluated: 2019-01-15. Review status: criteria provided, single submitter. Criteria: Ambry Variant Classification Scheme 2023. Collection method: clinical testing. Allele origin: germline.
Comment: The p.C2062R variant (also known as c.6184T>C), located in coding exon 20 of the NSD1 gene, results from a T to C substitution at nucleotide position 6184. The cysteine at codon 2062 is replaced by arginine, an amino acid with highly dissimilar properties. This amino acid position is highly conserved in available vertebrate species. In addition, this alteration is predicted to be deleterious by in silico analysis. Since supporting evidence is limited at this time, the clinical significance of this alteration remains unclear.

NM_022455.5(NSD1):c.6184T>C (p.Cys2062Arg)

Gene: NSD1 (nuclear receptor binding SET domain protein 1; plus strand). Cytogenetic location: 5q35.3.
Variant type: single nucleotide variant.
Coding change: c.6184T>C on transcript NM_022455.5 (MANE Select); coding-DNA position 6184, T replaced by C.
Protein change: p.Cys2062Arg; replaces cysteine 2062 with arginine.
Molecular consequence: missense variant.
Genome position (GRCh38, 1-based): chr5:177,288,851, T>C. VCF-style: chr5-177288851-T-C. GRCh37 (hg19) VCF-style: chr5-176715852-T-C.
Other names: c.5422T>C, p.Cys1808Arg (NM_001409307.1, NM_001409306.1); c.5311T>C, p.Cys1771Arg (NM_001409308.1, NM_172349.5, NM_001365684.2); c.6184T>C, p.Cys2062Arg (NM_001409301.1, NM_001409302.1, NM_001409303.1); c.5764T>C, p.Cys1922Arg (NM_001409304.1); c.5431T>C, p.Cys1811Arg (NM_001409305.1); short protein forms C1771R, C2062R, C1793R, C1808R, C1811R, C1922R.
Identifiers: ClinVar variation 1752079 (VCV001752079.2), dbSNP rs1759549063, ClinGen allele CA362317959.